The following is an entry in ClinVar:

ClinVar aggregate classification (germline): Uncertain significance (1 of 4 stars; one submission).

Submission:

Labcorp Genetics (formerly Invitae), Labcorp
Classification: Uncertain significance. Last evaluated: 2025-08-02. Review status: criteria provided, single submitter. Criteria: Invitae Variant Classification Sherloc (09022015). Collection method: clinical testing. Allele origin: germline.
Comment: This variant, c.358_360del, results in the deletion of 1 amino acid(s) of the TNFRSF6B protein (p.Phe120del), but otherwise preserves the integrity of the reading frame. This variant is not present in population databases (gnomAD no frequency). This variant has not been reported in the literature in individuals affected with TNFRSF6B-related conditions. Experimental studies and prediction algorithms are not available or were not evaluated, and the functional significance of this variant is currently unknown. In summary, the available evidence is currently insufficient to determine the role of this variant in disease. Therefore, it has been classified as a Variant of Uncertain Significance.

NM_003823.4(TNFRSF6B):c.355TTC[1] (p.Phe120del)

Genes: RTEL1-TNFRSF6B (RTEL1-TNFRSF6B readthrough (NMD candidate); plus strand), TNFRSF6B (TNF receptor superfamily member 6b; plus strand). Cytogenetic location: 20q13.33.
Variant type: Microsatellite.
Coding change: c.355TTC[1] on transcript NM_003823.4 (MANE Select); one copy of the 3-base unit TTC starting at c.355; the reference has two copies in a row; one copy, 3 bases deleted.
Protein change: p.Phe120del; deletes phenylalanine 120.
Molecular consequence: inframe deletion. On other transcripts: non-coding transcript variant (1).
Genome position (GRCh38, 1-based): chr20:63,697,125-63,697,127, TTC deleted; deleting any 3 consecutive bases within chr20:63,697,121-63,697,127 gives the same sequence; the position shown is the placement nearest the transcript's 3' end. VCF-style (leftmost placement, unchanged base first): chr20-63697120-GCTT-G. GRCh37 (hg19) VCF-style: chr20-62328473-GCTT-G.
Other names: short protein forms F120del.
Identifiers: ClinVar variation 2804572 (VCV002804572.3), dbSNP rs757980113, ClinGen allele CA9966420.